The following is an entry in ClinVar:

NM_001283009.2(RTEL1):c.2414-6C>T

Genes: RTEL1 (regulator of telomere elongation helicase 1; plus strand), RTEL1-TNFRSF6B (RTEL1-TNFRSF6B readthrough (NMD candidate); plus strand). Cytogenetic location: 20q13.33.
Variant type: single nucleotide variant.
Coding change: c.2414-6C>T on transcript NM_001283009.2 (MANE Select); 6 bases into the intron before coding-DNA position 2414, C replaced by T.
Molecular consequence: intron variant.
Genome position (GRCh38, 1-based): chr20:63,690,799, C>T. VCF-style: chr20-63690799-C-T. GRCh37 (hg19) VCF-style: chr20-62322152-C-T.
Other names: c.1745-6C>T (NM_001283010.1); c.2486-6C>T (NM_032957.5); c.2414-6C>T (NM_016434.4).
Identifiers: ClinVar variation 540947 (VCV000540947.33), dbSNP rs376868750, ClinGen allele CA9965356.
Genomic context (GRCh38, chr20:63,690,799, plus strand): 5'-GCCACAGGCAGGGACCCCAGCTGGGGCCCCCCGTGGGCTTCACTGCGCACTCGGGTGCCC[C>T]TGCAGGGTCACCAGCTGCCGGGGACCCCGAGAGTAGCCTGTGTGTGGAGTATGAGCAGGA-3'

ClinVar aggregate classification (germline): Benign/Likely benign. Review status: criteria provided, multiple submitters, no conflicts (2 of 4 stars). 6 submissions from 6 submitters: Benign (1); Likely benign (2). 3 of the submissions do not count toward it. Last evaluated 2025-12-30.

Conditions:
Dyskeratosis congenita. Identifiers: Orphanet 1775, MedGen C0265965, MONDO:0015780.
RTEL1-related disorder. Also called: RTEL1-related condition; RTEL1-related disorders.
Pulmonary fibrosis and/or bone marrow failure, Telomere-related, 3. Also called: PULMONARY FIBROSIS AND/OR BONE MARROW FAILURE SYNDROME, TELOMERE-RELATED, 3. Identifiers: Orphanet 2032, MedGen C4225346, MONDO:0014613, OMIM 616373.
Dyskeratosis congenita, autosomal recessive 5 (DKCB5). Identifiers: MedGen C3554656, MONDO:0014076, OMIM 615190.

Allele frequency attached by ClinVar (database versions not stated): gnomAD exomes 0.00015 and 0.00039; ExAC 0.00084; 1000 Genomes Project 30x 0.00094; 1000 Genomes Project 0.00120; gnomAD 0.00214 and 0.00198; TOPMed 0.00230; ESP Exome Variant Server 0.00179.
gnomAD v4.1: 543 of 1,601,142 alleles (0.034%); highest among the groups gnomAD compares: African/African-American, 0.61%; 2 homozygotes.

Submissions (6):

Labcorp Genetics (formerly Invitae), Labcorp
Classification: Benign for Dyskeratosis congenita, autosomal recessive 5; Pulmonary fibrosis and/or bone marrow failure, Telomere-related, 3. Last evaluated: 2025-12-30. Review status: criteria provided, single submitter. Criteria: Invitae Variant Classification Sherloc (09022015). Collection method: clinical testing. Allele origin: germline.

CeGaT Center for Human Genetics Tuebingen
Classification: Likely benign. Last evaluated: 2024-07-01. Review status: criteria provided, single submitter. Criteria: CeGaT Center For Human Genetics Tuebingen Variant Classification Criteria Version 2. Collection method: clinical testing. Allele origin: germline. Affected: yes. Observed: 1 variant allele.
Comment: RTEL1: BP4

Blueprint Genetics
Classification: Likely benign. Last evaluated: 2022-11-23. Review status: criteria provided, single submitter. Criteria: ACMG Guidelines, 2015. Collection method: clinical testing. Allele origin: germline.

Genetic Services Laboratory, University of Chicago
Classification: Likely benign. Last evaluated: 2021-08-19. Review status: no assertion criteria provided. Collection method: clinical testing. Allele origin: germline. Affected: no. Not counted in ClinVar's aggregate classification.

Natera, Inc.
Classification: Likely benign for Dyskeratosis congenita. Last evaluated: 2019-12-08. Review status: no assertion criteria provided. Collection method: clinical testing. Allele origin: germline. Not counted in ClinVar's aggregate classification.

PreventionGenetics, part of Exact Sciences
Classification: Likely benign for RTEL1-related condition. Last evaluated: 2019-05-08. Review status: no assertion criteria provided. Collection method: clinical testing. Allele origin: germline. Not counted in ClinVar's aggregate classification.
Comment: This variant is classified as likely benign based on ACMG/AMP sequence variant interpretation guidelines (Richards et al. 2015 PMID: 25741868, with internal and published modifications).